The following continues an entry in ClinVar:

NM_012144.4(DNAI1):c.48+2dup

Gene: DNAI1. ClinVar aggregate classification (germline): Conflicting classifications of pathogenicity. Pathogenic (19); Uncertain significance (1).

Submissions 16 to 29 of 29:

Cambridge Genomics Laboratory, East Genomic Laboratory Hub, NHS Genomic Medicine Service
Classification: Pathogenic for Primary ciliary dyskinesia. Last evaluated: 2020-01-21. Review status: criteria provided, single submitter. Criteria: ACGS Best Practice Guidelines for Variant Classification in Rare Disease 2020. Collection method: clinical testing. Allele origin: germline. Affected: yes. Observed: 1 variant allele.

Laboratory for Molecular Medicine, Mass General Brigham Personalized Medicine
Classification: Pathogenic for Primary ciliary dyskinesia. Last evaluated: 2018-08-09. Review status: criteria provided, single submitter. Criteria: LMM Criteria. Collection method: clinical testing. Allele origin: germline. Inheritance: Autosomal recessive inheritance. Observed: 1 variant allele.
Comment: The c.48+2dupT variant in DNAI1 is a well-known pathogenic founder variant (Zari wala 2006). It has been reported in >25 compound heterozygous or homozygous indi viduals with primary ciliary dyskinesia (PCD) with or without situs inversus (Ka rtagener syndrome) and segregated with disease in at least 2 affected relatives (Pennarun 1999, Guichard 2001, Zariwala 2006, Failly 2008, Li 2016, Paff 2018). This variant has been identified in 91/126580 European chromosomes, including on e homozygote, by the Genome Aggregation Database (gnomAD; dbSNP rs397515363). This variant occurs in the invariant region (+/- 1,2) of the splice consensus sequence and is predicted to cause altered splicin g leading to an abnormal or absent protein. Functional studies provide some evid ence that this variant alters splicing, resulting in a truncated protein (Pennar un 1999, Zariwala 2006), and ultrastructural defects in the outer dynein arms we re observed in homozygous or compound heterozygous individuals (Guichard 2001, P aff 2018). In summary, this variant meets criteria to be classified as pathogeni c for primary ciliary dyskinesia in an autosomal recessive manner. ACMG/AMP Crit eria applied: PVS1_Strong, PM3_VeryStrong, PS3_Moderate, PP1.

Eurofins Ntd Llc (ga)
Classification: Pathogenic. Last evaluated: 2014-09-26. Review status: criteria provided, single submitter. Criteria: EGL Classification Definitions. Collection method: clinical testing. Allele origin: germline. Observed: 1 variant allele, 1 heterozygote.

Ambry Genetics
Classification: Pathogenic for Inborn genetic diseases. Last evaluated: 2014-06-06. Review status: criteria provided, single submitter. Criteria: Ambry exome assertion method (8-5-2015). Collection method: clinical testing. Allele origin: germline. Affected: yes. Observed: 1 variant allele.

Clinical Genetics Service, Universitary Hospital 12 de Octubre
Classification: Pathogenic for Kartagener syndrome. Review status: criteria provided, single submitter. Criteria: ACMG Guidelines, 2015. Collection method: clinical testing. Allele origin: germline. Affected: yes.

Yale Center for Mendelian Genomics, Yale University
Classification: Likely pathogenic for Primary ciliary dyskinesia. Last evaluated: 2018-08-01. Review status: no assertion criteria provided. Collection method: literature only. Allele origin: germline. Affected: yes. Observed: 1 compound heterozygote, 1 homozygote. Study: Yale Center for Mendelian Genomics. Not counted in ClinVar's aggregate classification.

OMIM
Classification: Pathogenic for CILIARY DYSKINESIA, PRIMARY, 1. Last evaluated: 1999-12-01. Review status: no assertion criteria provided. Collection method: literature only. Allele origin: germline. Not counted in ClinVar's aggregate classification.

Clinical Genetics DNA and cytogenetics Diagnostics Lab, Erasmus MC, Erasmus Medical Center
Classification: Pathogenic. Review status: no assertion criteria provided. Collection method: clinical testing. Allele origin: germline. Affected: yes. Study: VKGL Data-share Consensus. Not counted in ClinVar's aggregate classification.

Diagnostic Laboratory, Department of Genetics, University Medical Center Groningen
Classification: Pathogenic. Review status: no assertion criteria provided. Collection method: clinical testing. Allele origin: germline. Affected: yes. Study: VKGL Data-share Consensus. Not counted in ClinVar's aggregate classification.

GeneReviews
No classification provided. Condition: Kartagener syndrome. Review status: no classification provided. Collection method: literature only. Allele origin: germline. Affected: yes. Not counted in ClinVar's aggregate classification.

Genome Diagnostics Laboratory, Amsterdam University Medical Center
Classification: Pathogenic. Review status: no assertion criteria provided. Collection method: clinical testing. Allele origin: germline. Affected: yes. Study: VKGL Data-share Consensus. Not counted in ClinVar's aggregate classification.

Genomics England Pilot Project, Genomics England
Classification: Pathogenic for Kartagener syndrome. Review status: no assertion criteria provided. Criteria: ACGS Guidelines, 2016. Collection method: clinical testing. Allele origin: germline. Affected: yes. Not counted in ClinVar's aggregate classification.

Joint Genome Diagnostic Labs from Nijmegen and Maastricht, Radboudumc and MUMC+
Classification: Pathogenic. Review status: no assertion criteria provided. Collection method: clinical testing. Allele origin: germline. Affected: yes. Study: VKGL Data-share Consensus. Not counted in ClinVar's aggregate classification.

Laboratory of Diagnostic Genome Analysis, Leiden University Medical Center (LUMC)
Classification: Pathogenic. Review status: no assertion criteria provided. Collection method: clinical testing. Allele origin: germline. Affected: yes. Study: VKGL Data-share Consensus. Not counted in ClinVar's aggregate classification.

Literature cited by the submitters: PubMed 10577904 (cited by 8 submitters); PubMed 11231901 (cited by 4 submitters); PubMed 16858015 (cited by 7 submitters); PubMed 18434704 (cited by 4 submitters); PubMed 17576681 (cited by Labcorp Genetics (formerly Invitae), Labcorp); PubMed 9536098 (cited by Labcorp Genetics (formerly Invitae), Labcorp); PubMed 29363216 (cited by 3 submitters); PubMed 35753512 (cited by Variantyx, Inc.); PubMed 26918822 (cited by Laboratory for Molecular Medicine, Mass General Brigham Personalized Medicine); PubMed 21143860 (cited by Ambry Genetics); PubMed 30067075 (cited by Yale Center for Mendelian Genomics, Yale University); PubMed 23477994 (cited by GeneReviews); NCBI Bookshelf NBK1122 (cited by GeneReviews).